The following is an entry in ClinVar:

ClinVar aggregate classification (germline): Likely benign (0 of 4 stars; one submission).

Conditions:
KIAA0319-related disorder. Also called: KIAA0319-related condition.

Allele frequency attached by ClinVar (database versions not stated): gnomAD 0.00001; ExAC 0.00003; TOPMed 0.00003.
gnomAD v4.1: 5 of 1,604,460 alleles (0.00031%); highest among the groups gnomAD compares: East Asian, 0.011%; no homozygotes.

Submission:

PreventionGenetics, part of Exact Sciences
Classification: Likely benign for KIAA0319-related condition. Last evaluated: 2019-07-12. Review status: no assertion criteria provided. Collection method: clinical testing. Allele origin: germline.
Comment: This variant is classified as likely benign based on ACMG/AMP sequence variant interpretation guidelines (Richards et al. 2015 PMID: 25741868, with internal and published modifications).

NM_014809.4(KIAA0319):c.1332G>A (p.Glu444=)

Gene: KIAA0319 (KIAA0319; minus strand). Cytogenetic location: 6p22.3.
Variant type: single nucleotide variant.
Coding change: c.1332G>A on transcript NM_014809.4 (MANE Select); coding-DNA position 1332, G replaced by A.
Protein change: p.Glu444=; no amino-acid change (glutamic acid 444 retained).
Molecular consequence: synonymous variant. On other transcripts: 5 prime UTR variant (1).
Genome position (GRCh38, 1-based): chr6:24,579,898, C>T on the plus strand (G>A on the coding strand, the complement: KIAA0319 is on the minus strand). VCF-style: chr6-24579898-C-T. GRCh37 (hg19) VCF-style: chr6-24580126-C-T.
Other names: c.1305G>A, p.Glu435= (NM_001168374.2); c.1332G>A, p.Glu444= (NM_001168375.2, NM_001168377.2, NM_001350403.2 and 2 more transcripts); c.1197G>A, p.Glu399= (NM_001168376.2, NM_001350406.2); c.-397G>A (NM_001252328.2); c.1314G>A, p.Glu438= (NM_001350404.2); c.1233G>A, p.Glu411= (NM_001350405.2); c.876G>A, p.Glu292= (NM_001350409.2, NM_001350410.2).
Identifiers: ClinVar variation 3049337 (VCV003049337.2), dbSNP rs767248792, ClinGen allele CA3657548.